The following is an entry in ClinVar:

ClinVar aggregate classification (germline): Benign (1 of 4 stars; one submission).

Allele frequency attached by ClinVar (database versions not stated): gnomAD exomes 0.00083; ExAC 0.00111; gnomAD 0.00327 and 0.00347; TOPMed 0.00344; 1000 Genomes Project 0.00379; ESP Exome Variant Server 0.00438; 1000 Genomes Project 30x 0.00453.

Submission:

GeneDx
Classification: Benign. Last evaluated: 2014-07-07. Review status: criteria provided, single submitter. Criteria: GeneDx Variant Classification (06012015). Collection method: clinical testing. Allele origin: germline. Affected: yes.
Comment: This variant is considered likely benign or benign based on one or more of the following criteria: it is a conservative change, it occurs at a poorly conserved position in the protein, it is predicted to be benign by multiple in silico algorithms, and/or has population frequency not consistent with disease.

NM_016360.4(TACO1):c.*19C>T

Gene: TACO1 (translational activator of cytochrome c oxidase I; plus strand). Cytogenetic location: 17q23.3.
Variant type: single nucleotide variant.
Coding change: c.*19C>T on transcript NM_016360.4 (MANE Select); 19 bases downstream of the stop codon, C replaced by T.
Molecular consequence: 3 prime UTR variant.
Genome position (GRCh38, 1-based): chr17:63,608,021, C>T. VCF-style: chr17-63608021-C-T. GRCh37 (hg19) VCF-style: chr17-61685381-C-T.
Identifiers: ClinVar variation 215245 (VCV000215245.2), dbSNP rs112392132, ClinGen allele CA320852.